The following is an entry in ClinVar:

NM_001034853.2(RPGR):c.2852A>G (p.Glu951Gly)

Gene: RPGR (retinitis pigmentosa GTPase regulator; minus strand). Cytogenetic location: Xp11.4.
Variant type: single nucleotide variant.
Coding change: c.2852A>G on transcript NM_001034853.2 (MANE Select); coding-DNA position 2852, A replaced by G.
Protein change: p.Glu951Gly; replaces glutamic acid 951 with glycine.
Molecular consequence: missense variant. On other transcripts: intron variant (8).
Genome position (GRCh38, 1-based): chrX:38,286,147, T>C on the plus strand (A>G on the coding strand, the complement: RPGR is on the minus strand). VCF-style: chrX-38286147-T-C. GRCh37 (hg19) VCF-style: chrX-38145400-T-C.
Other names: c.1569+4812A>G (NM_001367249.1, NM_001367250.1); c.1902+947A>G (NM_001367245.1); c.1386+4812A>G (NM_001367251.1); c.1719+947A>G (NM_001367246.1); c.1572+4812A>G (NM_001367247.1); c.1905+947A>G (NM_000328.3); c.1602+4812A>G (NM_001367248.1); short protein forms E951G.
Identifiers: ClinVar variation 2154844 (VCV002154844.4), dbSNP rs2519786062, ClinGen allele CA412729623.
Genomic context (GRCh38, chrX:38,286,147, plus strand): 5'-TCTCCTTCCTCTTCCCCCTCCCCTTCTCCTTCCTCCTCTTCCCCCTCCCATTCTCCTTCC[T>C]CCTCTTCCCCCTCCCCTTCTCCATCCTCCCCTTCCCCTTCTCCTTCCTCCTCTTCCCCCT-3'
Protein context (NP_001030025.1, residues 941-961): GEDGEGEGEE[Glu951Gly]EGEWEGEEEE

ClinVar aggregate classification (germline): Uncertain significance (1 of 4 stars; one submission).

Conditions:
Primary ciliary dyskinesia. Also called: Ciliary dyskinesia. Identifiers: Orphanet 244, MedGen C0008780, MONDO:0016575, HP:0012265.

Submission:

Labcorp Genetics (formerly Invitae), Labcorp
Classification: Uncertain significance for Primary ciliary dyskinesia. Last evaluated: 2022-04-01. Review status: criteria provided, single submitter. Criteria: Invitae Variant Classification Sherloc (09022015). Collection method: clinical testing. Allele origin: germline.
Comment: This sequence change replaces glutamic acid, which is acidic and polar, with glycine, which is neutral and non-polar, at codon 951 of the RPGR (ORF15) protein (p.Glu951Gly). The frequency data for this variant in the population databases is considered unreliable, as metrics indicate insufficient coverage at this position in the gnomAD database. This variant has not been reported in the literature in individuals affected with RPGR (ORF15)-related conditions. Algorithms developed to predict the effect of missense changes on protein structure and function output the following: SIFT: "Not Available"; PolyPhen-2: "Not Available"; Align-GVGD: "Not Available". The glycine amino acid residue is found in multiple mammalian species, which suggests that this missense change does not adversely affect protein function. In summary, the available evidence is currently insufficient to determine the role of this variant in disease. Therefore, it has been classified as a Variant of Uncertain Significance.